The following is an entry in ClinVar:

ClinVar aggregate classification (germline): Uncertain significance (1 of 4 stars; one submission).

Submission:

Labcorp Genetics (formerly Invitae), Labcorp
Classification: Uncertain significance. Last evaluated: 2024-05-29. Review status: criteria provided, single submitter. Criteria: Invitae Variant Classification Sherloc (09022015). Collection method: clinical testing. Allele origin: germline.
Comment: This sequence change replaces glutamic acid, which is acidic and polar, with aspartic acid, which is acidic and polar, at codon 318 of the MYH3 protein (p.Glu318Asp). This variant is not present in population databases (gnomAD no frequency). This variant has not been reported in the literature in individuals affected with MYH3-related conditions. Advanced modeling of protein sequence and biophysical properties (such as structural, functional, and spatial information, amino acid conservation, physicochemical variation, residue mobility, and thermodynamic stability) performed at Invitae indicates that this missense variant is not expected to disrupt MYH3 protein function with a negative predictive value of 95%. In summary, the available evidence is currently insufficient to determine the role of this variant in disease. Therefore, it has been classified as a Variant of Uncertain Significance.

NM_002470.4(MYH3):c.954G>T (p.Glu318Asp)

Gene: MYH3 (myosin heavy chain 3; minus strand). Cytogenetic location: 17p13.1.
Variant type: single nucleotide variant.
Coding change: c.954G>T on transcript NM_002470.4 (MANE Select); coding-DNA position 954, G replaced by T.
Protein change: p.Glu318Asp; replaces glutamic acid 318 with aspartic acid.
Molecular consequence: missense variant.
Genome position (GRCh38, 1-based): chr17:10,645,977, C>A on the plus strand (G>T on the coding strand, the complement: MYH3 is on the minus strand). VCF-style: chr17-10645977-C-A. GRCh37 (hg19) VCF-style: chr17-10549294-C-A.
Other names: short protein forms E318D.
Identifiers: ClinVar variation 3701045 (VCV003701045.2).